The following is an entry in ClinVar:

ClinVar aggregate classification (germline): Conflicting classifications of pathogenicity. Review status: criteria provided, conflicting classifications (1 of 4 stars). 2 submissions from 2 submitters: Uncertain significance (1); Likely benign (1). Last evaluated 2024-03-19.

Conditions:
Episodic ataxia type 6. Identifiers: Orphanet 209967, MedGen C2675211, MONDO:0012982, OMIM 612656.

Allele frequency attached by ClinVar (database versions not stated): TOPMed 0.00005.
gnomAD v4.1: 14 of 1,614,042 alleles (0.00087%); highest among the groups gnomAD compares: Admixed American, 0.02%; no homozygotes.

Submissions (2):

Labcorp Genetics (formerly Invitae), Labcorp
Classification: Uncertain significance. Last evaluated: 2024-03-19. Review status: criteria provided, single submitter. Criteria: Invitae Variant Classification Sherloc (09022015). Collection method: clinical testing. Allele origin: germline.
Comment: This sequence change replaces methionine, which is neutral and non-polar, with isoleucine, which is neutral and non-polar, at codon 307 of the SLC1A3 protein (p.Met307Ile). This variant is present in population databases (rs761842691, gnomAD 0.02%). This variant has not been reported in the literature in individuals affected with SLC1A3-related conditions. ClinVar contains an entry for this variant (Variation ID: 907389). Advanced modeling of protein sequence and biophysical properties (such as structural, functional, and spatial information, amino acid conservation, physicochemical variation, residue mobility, and thermodynamic stability) performed at Invitae indicates that this missense variant is not expected to disrupt SLC1A3 protein function with a negative predictive value of 80%. In summary, the available evidence is currently insufficient to determine the role of this variant in disease. Therefore, it has been classified as a Variant of Uncertain Significance.

Illumina Laboratory Services, Illumina
Classification: Likely benign for Episodic ataxia type 6. Last evaluated: 2018-01-13. Review status: criteria provided, single submitter. Criteria: ICSL Variant Classification Criteria 13 December 2019. Collection method: clinical testing. Allele origin: germline.
Comment: This variant was observed in the ICSL laboratory as part of a predisposition screen in an ostensibly healthy population. It had not been previously curated by ICSL or reported in the Human Gene Mutation Database (HGMD: prior to June 1st, 2018), and was therefore a candidate for classification through an automated scoring system. Utilizing variant allele frequency, disease prevalence and penetrance estimates, and inheritance mode, an automated score was calculated to assess if this variant is too frequent to cause the disease. Based on the score and internal cut-off values, a variant classified as likely benign is not then subjected to further curation. The score for this variant resulted in a classification of likely benign for this disease.

NM_004172.5(SLC1A3):c.921G>T (p.Met307Ile)

Genes: SLC1A3 (solute carrier family 1 member 3; plus strand), SLC1A3-AS1 (SLC1A3 antisense RNA 1; minus strand). Cytogenetic location: 5p13.2.
Variant type: single nucleotide variant.
Coding change: c.921G>T on transcript NM_004172.5 (MANE Select); coding-DNA position 921, G replaced by T.
Protein change: p.Met307Ile; replaces methionine 307 with isoleucine.
Molecular consequence: missense variant.
Genome position (GRCh38, 1-based): chr5:36,679,687, G>T. VCF-style: chr5-36679687-G-T. GRCh37 (hg19) VCF-style: chr5-36679789-G-T.
Other names: c.921G>T, p.Met307Ile (NM_001166695.3); c.783G>T, p.Met261Ile (NM_001289939.2); c.585G>T, p.Met195Ile (NM_001289940.2); short protein forms M307I, M261I, M195I.
Identifiers: ClinVar variation 907389 (VCV000907389.8), dbSNP rs761842691, ClinGen allele CA3235574.
Genomic context (GRCh38, chr5:36,679,687, plus strand): 5'-GTATGCCCCCGTGGGTATTCTCTTCCTGATTGCTGGGAAGATTGTGGAGATGGAAGACAT[G>T]GGTGTGATTGGGGGGCAGCTTGCCATGTACACCGTGACTGTCATTGTTGGCTTACTCATT-3'
Protein context (NP_004163.3, residues 297-317): IAGKIVEMED[Met307Ile]GVIGGQLAMY